The following is an entry in ClinVar:

ClinVar aggregate classification (germline): Uncertain significance (1 of 4 stars; one submission).

Conditions:
Neuroblastoma, susceptibility to, 3. Also called: ALK-Related Neuroblastic Tumor Susceptibility. Identifiers: Orphanet 635, MedGen C2751681, MONDO:0013083, OMIM 613014.

Allele frequency attached by ClinVar (database versions not stated): gnomAD exomes below 0.00001.
gnomAD v4.1: 2 of 1,614,138 alleles (0.00012%); highest among the groups gnomAD compares: Non-Finnish European, 0.00017%; no homozygotes.

Submission:

Labcorp Genetics (formerly Invitae), Labcorp
Classification: Uncertain significance for Neuroblastoma, susceptibility to, 3. Last evaluated: 2019-10-26. Review status: criteria provided, single submitter. Criteria: Invitae Variant Classification Sherloc (09022015). Collection method: clinical testing. Allele origin: germline.
Comment: In summary, the available evidence is currently insufficient to determine the role of this variant in disease. Therefore, it has been classified as a Variant of Uncertain Significance. Algorithms developed to predict the effect of missense changes on protein structure and function output the following: SIFT: "Deleterious"; PolyPhen-2: "Benign"; Align-GVGD: "Class C0". The phenylalanine amino acid residue is found in multiple mammalian species, suggesting that this missense change does not adversely affect protein function. These predictions have not been confirmed by published functional studies and their clinical significance is uncertain. This variant has not been reported in the literature in individuals with ALK-related conditions. This variant is not present in population databases (ExAC no frequency). This sequence change replaces serine with phenylalanine at codon 226 of the ALK protein (p.Ser226Phe). The serine residue is moderately conserved and there is a large physicochemical difference between serine and phenylalanine.

NM_004304.5(ALK):c.677C>T (p.Ser226Phe)

Gene: ALK (ALK receptor tyrosine kinase; minus strand). Cytogenetic location: 2p23.2.
Variant type: single nucleotide variant.
Coding change: c.677C>T on transcript NM_004304.5 (MANE Select); coding-DNA position 677, C replaced by T.
Protein change: p.Ser226Phe; replaces serine 226 with phenylalanine.
Molecular consequence: missense variant.
Genome position (GRCh38, 1-based): chr2:29,717,688, G>A on the plus strand (C>T on the coding strand, the complement: ALK is on the minus strand). VCF-style: chr2-29717688-G-A. GRCh37 (hg19) VCF-style: chr2-29940554-G-A.
Other names: short protein forms S226F.
Identifiers: ClinVar variation 965852 (VCV000965852.9), dbSNP rs1679303562, ClinGen allele CA346587836.